The following is an entry in ClinVar:

ClinVar aggregate classification (germline): Uncertain significance (1 of 4 stars; one submission).

Conditions:
Aspartylglucosaminuria (AGU). Also called: GLYCOASPARAGINASE; GLYCOSYLASPARAGINASE DEFICIENCY; AGA DEFICIENCY; Aspartylglucos-aminuria; Aspartylglucos-amidase (AGA) deficiency. Identifiers: Orphanet 93, MedGen C0268225, MONDO:0008830, OMIM 208400, HP:0012068.

Allele frequency attached by ClinVar (database versions not stated): gnomAD exomes below 0.00001; TOPMed below 0.00001; gnomAD 0.00001; ExAC 0.00002.
gnomAD v4.1: 4 of 1,613,964 alleles (0.00025%); highest among the groups gnomAD compares: African/African-American, 0.0053%; no homozygotes.

Submission:

Labcorp Genetics (formerly Invitae), Labcorp
Classification: Uncertain significance for Aspartylglucosaminuria. Last evaluated: 2022-08-23. Review status: criteria provided, single submitter. Criteria: Invitae Variant Classification Sherloc (09022015). Collection method: clinical testing. Allele origin: germline.
Comment: In summary, the available evidence is currently insufficient to determine the role of this variant in disease. Therefore, it has been classified as a Variant of Uncertain Significance. Algorithms developed to predict the effect of missense changes on protein structure and function are either unavailable or do not agree on the potential impact of this missense change (SIFT: "Deleterious"; PolyPhen-2: "Possibly Damaging"; Align-GVGD: "Class C0"). This variant has not been reported in the literature in individuals affected with AGA-related conditions. This variant is present in population databases (rs750208695, gnomAD 0.007%). This sequence change replaces valine, which is neutral and non-polar, with methionine, which is neutral and non-polar, at codon 289 of the AGA protein (p.Val289Met).

NM_000027.4(AGA):c.865G>A (p.Val289Met)

Gene: AGA (aspartylglucosaminidase; minus strand). Cytogenetic location: 4q34.3.
Variant type: single nucleotide variant.
Coding change: c.865G>A on transcript NM_000027.4 (MANE Select); coding-DNA position 865, G replaced by A.
Protein change: p.Val289Met; replaces valine 289 with methionine.
Molecular consequence: missense variant. On other transcripts: non-coding transcript variant (1).
Genome position (GRCh38, 1-based): chr4:177,433,289, C>T on the plus strand (G>A on the coding strand, the complement: AGA is on the minus strand). VCF-style: chr4-177433289-C-T. GRCh37 (hg19) VCF-style: chr4-178354443-C-T.
Other names: c.835G>A, p.Val279Met (NM_001171988.2); short protein forms V279M, V289M.
Identifiers: ClinVar variation 1966549 (VCV001966549.3), dbSNP rs750208695, ClinGen allele CA3146769.
Genomic context (GRCh38, chr4:177,433,289, plus strand): 5'-CATTGGCACATATAACAGCCCCAAAGAATTCTGGAAAATGCTTCTGGATTCTTGAAATCA[C>T]TTTTTGGCAAGCTATGGTTGGATCTTCTCCTCTTCTCATGTATTCTACAGCTTGGTAGCT-3'
Protein context (NP_000018.2, residues 279-299): GEDPTIACQK[Val289Met]ISRIQKHFPE